The following is an entry in ClinVar:

NM_000233.4(LHCGR):c.2095T>A (p.Cys699Ser)

Genes: LHCGR (luteinizing hormone/choriogonadotropin receptor; minus strand), STON1-GTF2A1L (STON1-GTF2A1L readthrough; plus strand). Cytogenetic location: 2p16.3.
Variant type: single nucleotide variant.
Coding change: c.2095T>A on transcript NM_000233.4 (MANE Select); coding-DNA position 2095, T replaced by A.
Protein change: p.Cys699Ser; replaces cysteine 699 with serine.
Molecular consequence: missense variant. On other transcripts: intron variant (1).
Genome position (GRCh38, 1-based): chr2:48,687,702, A>T on the plus strand (T>A on the coding strand, the complement: LHCGR is on the minus strand). VCF-style: chr2-48687702-A-T. GRCh37 (hg19) VCF-style: chr2-48914841-A-T.
Other names: c.3441+16022A>T (NM_001198593.2); short protein forms C699S.
Identifiers: ClinVar variation 895595 (VCV000895595.4), dbSNP rs778585416, ClinGen allele CA1652927.
Genomic context (GRCh38, chr2:48,687,702, plus strand): 5'-AATTTTTTTTTACAGGTTTAAGAACAATTCAATAATGCAGTTACTGATGTAACAGTTAAC[A>T]CTCTGTGTAGCGAGTCTTGTCTAGGAGAGCTGTACCTTGACAGTGCAATGTGGACAACTT-3'
Protein context (NP_000224.2, residues 689-699): ALLDKTRYTE[Cys699Ser]

ClinVar aggregate classification (germline): Conflicting classifications of pathogenicity. Review status: criteria provided, conflicting classifications (1 of 4 stars). 2 submissions from 1 submitter: Uncertain significance (1); Likely benign (1). Last evaluated 2018-01-12.

Conditions:
Leydig cell agenesis. Also called: HYPERGONADOTROPIC HYPOGONADISM, MALE, DUE TO LHCGR DEFECT; LEYDIG CELL HYPOPLASIA WITH MALE PSEUDOHERMAPHRODITISM; LEYDIG CELL HYPOPLASIA, COMPLETE; Leydig cell hypoplasia, type 1. Identifiers: MedGen C0266432, MONDO:0009384, OMIM 238320.
Gonadotropin-independent familial sexual precocity. Also called: Familial male-limited precocious puberty; TESTOTOXICOSIS, FAMILIAL. Identifiers: Orphanet 3000, MedGen C0342549, MONDO:0008303, OMIM 176410.

Allele frequency attached by ClinVar (database versions not stated): gnomAD 0.00001; gnomAD exomes 0.00001 and 0.00003; TOPMed 0.00001; ExAC 0.00006.
gnomAD v4.1: 14 of 1,612,698 alleles (0.00087%); highest among the groups gnomAD compares: Non-Finnish European, 0.0012%; no homozygotes.

Submissions (2):

Illumina Laboratory Services, Illumina
Classification: Uncertain significance for Leydig cell agenesis. Last evaluated: 2018-01-12. Review status: criteria provided, single submitter. Criteria: ICSL Variant Classification Criteria 13 December 2019. Collection method: clinical testing. Allele origin: germline.

Illumina Laboratory Services, Illumina
Classification: Likely benign for Gonadotropin-independent familial sexual precocity. Last evaluated: 2018-01-12. Review status: criteria provided, single submitter. Criteria: ICSL Variant Classification Criteria 13 December 2019. Collection method: clinical testing. Allele origin: germline.
Comment: This variant was observed in the ICSL laboratory as part of a predisposition screen in an ostensibly healthy population. It had not been previously curated by ICSL or reported in the Human Gene Mutation Database (HGMD: prior to June 1st, 2018), and was therefore a candidate for classification through an automated scoring system. Utilizing variant allele frequency, disease prevalence and penetrance estimates, and inheritance mode, an automated score was calculated to assess if this variant is too frequent to cause the disease. Based on the score and internal cut-off values, a variant classified as likely benign is not then subjected to further curation. The score for this variant resulted in a classification of likely benign for this disease.